The following is an entry in ClinVar:

NM_004646.4(NPHS1):c.736G>T (p.Glu246Ter)

Gene: NPHS1 (NPHS1 adhesion molecule, nephrin; minus strand). Cytogenetic location: 19q13.12.
Variant type: single nucleotide variant.
Coding change: c.736G>T on transcript NM_004646.4 (MANE Select); coding-DNA position 736, G replaced by T.
Protein change: p.Glu246Ter; replaces glutamic acid 246 with a stop codon.
Molecular consequence: nonsense.
Genome position (GRCh38, 1-based): chr19:35,849,340, C>A on the plus strand (G>T on the coding strand, the complement: NPHS1 is on the minus strand). VCF-style: chr19-35849340-C-A. GRCh37 (hg19) VCF-style: chr19-36340242-C-A.
Other names: short protein forms E246*.
Identifiers: ClinVar variation 56521 (VCV000056521.6), dbSNP rs386833959, ClinGen allele CA250270.

ClinVar aggregate classification (germline): Pathogenic. Review status: criteria provided, single submitter (1 of 4 stars). 3 submissions from 3 submitters: Pathogenic (1). 2 of the submissions do not count toward it. Last evaluated 2023-07-07.

Conditions:
Finnish congenital nephrotic syndrome (NPHS1). Also called: NEPHROTIC SYNDROME, TYPE 1. Identifiers: Orphanet 839, MedGen C0403399, MONDO:0009732, OMIM 256300.

gnomAD v4.1: 12 of 1,612,622 alleles (0.00074%); highest among the groups gnomAD compares: Non-Finnish European, 0.00085%; no homozygotes.

Submissions (3):

Labcorp Genetics (formerly Invitae), Labcorp
Classification: Pathogenic. Last evaluated: 2023-07-07. Review status: criteria provided, single submitter. Criteria: Invitae Variant Classification Sherloc (09022015). Collection method: clinical testing. Allele origin: germline.
Comment: This sequence change creates a premature translational stop signal (p.Glu246*) in the NPHS1 gene. It is expected to result in an absent or disrupted protein product. Loss-of-function variants in NPHS1 are known to be pathogenic (PMID: 11317351, 11854170, 12039988). This variant is present in population databases (rs386833959, gnomAD 0.0009%). This premature translational stop signal has been observed in individual(s) with congenital nephrotic syndrome (PMID: 15780077). ClinVar contains an entry for this variant (Variation ID: 56521). Algorithms developed to predict the effect of variants on protein structure and function are not available or were not evaluated for this variant. Experimental studies have shown that this premature translational stop signal affects NPHS1 function (PMID: 24142548). For these reasons, this variant has been classified as Pathogenic.

Counsyl
Classification: Pathogenic for Finnish congenital nephrotic syndrome. Last evaluated: 2017-03-16. Review status: no assertion criteria provided. Collection method: clinical testing. Allele origin: unknown. Not counted in ClinVar's aggregate classification.

Juha Muilu Group; Institute for Molecular Medicine Finland (FIMM)
Classification: Likely pathogenic for Finnish congenital nephrotic syndrome. Review status: no assertion criteria provided. Collection method: not provided. Allele origin: unknown. Not counted in ClinVar's aggregate classification.
Comment: FinDis database variant: This variant was not found or characterized by our laboratory, data were collected from public sources: see reference
ClinVar note: Converted during submission from probable-pathogenic to Likely pathogenic.

Literature cited by the submitters: PubMed 11317351 (cited by Labcorp Genetics (formerly Invitae), Labcorp); PubMed 11854170 (cited by Labcorp Genetics (formerly Invitae), Labcorp); PubMed 12039988 (cited by Labcorp Genetics (formerly Invitae), Labcorp); PubMed 15780077 (cited by Labcorp Genetics (formerly Invitae), Labcorp); PubMed 24142548 (cited by Labcorp Genetics (formerly Invitae), Labcorp and Counsyl); PubMed 25525159 (cited by Counsyl); PubMed 19321760 (cited by Counsyl).